The following is an entry in ClinVar:

ClinVar aggregate classification (germline): Likely benign. Review status: criteria provided, multiple submitters, no conflicts (2 of 4 stars). 3 submissions from 3 submitters: Likely benign (3). Last evaluated 2026-09-02.

Conditions:
TSPEAR-related disorder. Also called: TSPEAR-related condition.

Allele frequency attached by ClinVar (database versions not stated): gnomAD exomes 0.00003 and 0.00008; ExAC 0.00006; ESP Exome Variant Server 0.00008; gnomAD 0.00010; TOPMed 0.00017; 1000 Genomes Project 30x 0.00031; 1000 Genomes Project 0.00040.
gnomAD v4.1: 56 of 1,608,678 alleles (0.0035%); highest among the groups gnomAD compares: Admixed American, 0.033%; no homozygotes.

Submissions (3):

PreventionGenetics, part of Exact Sciences
Classification: Likely benign for TSPEAR-related condition. Last evaluated: 2026-09-02. Review status: criteria provided, single submitter. Criteria: ACMG Guidelines, 2015. Collection method: clinical testing. Allele origin: germline.
Comment: This variant is classified as likely benign based on ACMG/AMP sequence variant interpretation guidelines (Richards et al. 2015 PMID: 25741868, with internal and published modifications).

Labcorp Genetics (formerly Invitae), Labcorp
Classification: Likely benign. Last evaluated: 2022-07-26. Review status: criteria provided, single submitter. Criteria: Invitae Variant Classification Sherloc (09022015). Collection method: clinical testing. Allele origin: germline.

GeneDx
Classification: Likely benign. Last evaluated: 2021-05-04. Review status: criteria provided, single submitter. Criteria: GeneDx Variant Classification Process June 2021. Collection method: clinical testing. Allele origin: germline. Affected: yes.

NM_144991.3(TSPEAR):c.525C>T (p.Cys175=)

Gene: TSPEAR (thrombospondin type laminin G domain and EAR repeats; minus strand). Cytogenetic location: 21q22.3.
Variant type: single nucleotide variant.
Coding change: c.525C>T on transcript NM_144991.3 (MANE Select); coding-DNA position 525, C replaced by T.
Protein change: p.Cys175=; no amino-acid change (cysteine 175 retained).
Molecular consequence: synonymous variant.
Genome position (GRCh38, 1-based): chr21:44,533,702, G>A on the plus strand (C>T on the coding strand, the complement: TSPEAR is on the minus strand). VCF-style: chr21-44533702-G-A. GRCh37 (hg19) VCF-style: chr21-45953585-G-A.
Other names: c.321C>T, p.Cys107= (NM_001272037.2).
Identifiers: ClinVar variation 799885 (VCV000799885.12), dbSNP rs201533971, ClinGen allele CA10056993.
Genomic context (GRCh38, chr21:44,533,702, plus strand): 5'-ACTCTGAGGACTGCAGGTGCACCCTCCCCGGGTGGGTACCTACATGTCCACCGGGAGGCC[G>A]CAGTCCGTGGTGAGGGAGAAGACGCCTGCGGACACAGCCAGGACCAGTGTGTGCCAGCGG-3'
Protein context (NP_659428.2, residues 165-185): SAGVFSLTTD[Cys175=]GLPVDIMADV